The following is an entry in ClinVar:

ClinVar aggregate classification (germline): Likely pathogenic (1 of 4 stars; one submission).

Conditions:
Central core myopathy (CMYO1A). Also called: CONGENITAL MYOPATHY 1A, AUTOSOMAL DOMINANT, WITH SUSCEPTIBILITY TO MALIGNANT HYPERTHERMIA; Central core disease; Myopathy, central fibrillar. Identifiers: Orphanet 597, MedGen C5830701, MONDO:0007294, OMIM 117000.

Submission:

MGZ Medical Genetics Center
Classification: Likely pathogenic for Central core myopathy. Last evaluated: 2021-10-05. Review status: criteria provided, single submitter. Criteria: ACMG Guidelines, 2015. Collection method: clinical testing. Allele origin: germline. Affected: yes. Observed: 1 variant allele.
Comment: ACMG criteria applied: PS2_MOD, PS4_MOD, PM2_SUP, PP3

NM_000540.3(RYR1):c.14596A>G (p.Lys4866Glu)

Gene: RYR1 (ryanodine receptor 1; plus strand). Cytogenetic location: 19q13.2.
Variant type: single nucleotide variant.
Coding change: c.14596A>G on transcript NM_000540.3 (MANE Select); coding-DNA position 14596, A replaced by G.
Protein change: p.Lys4866Glu; replaces lysine 4866 with glutamic acid.
Molecular consequence: missense variant.
Genome position (GRCh38, 1-based): chr19:38,580,454, A>G. VCF-style: chr19-38580454-A-G. GRCh37 (hg19) VCF-style: chr19-39071094-A-G.
Other names: c.14581A>G, p.Lys4861Glu (NM_001042723.2); short protein forms K4861E, K4866E.
Identifiers: ClinVar variation 1709977 (VCV001709977.2), dbSNP rs2514752302, ClinGen allele CA081265.